The following is an entry in ClinVar:

NM_144670.6(A2ML1):c.62+1G>C

Genes: A2ML1 (alpha-2-macroglobulin like 1; plus strand), A2ML1-AS1 (A2ML1 antisense RNA 1; minus strand). Cytogenetic location: 12p13.31.
Variant type: single nucleotide variant.
Coding change: c.62+1G>C on transcript NM_144670.6 (MANE Select); the canonical splice donor site of the intron after coding-DNA position 62, G replaced by C.
Molecular consequence: splice donor variant.
Genome position (GRCh38, 1-based): chr12:8,822,714, G>C. VCF-style: chr12-8822714-G-C. GRCh37 (hg19) VCF-style: chr12-8975310-G-C.
Identifiers: ClinVar variation 849889 (VCV000849889.8), dbSNP rs200764174, ClinGen allele CA6435138.

ClinVar aggregate classification (germline): Uncertain significance (1 of 4 stars; one submission).

Allele frequency attached by ClinVar (database versions not stated): TOPMed 0.00004.
gnomAD v4.1: 5 of 1,613,962 alleles (0.00031%); highest among the groups gnomAD compares: African/African-American, 0.0067%; no homozygotes.

Submission:

Labcorp Genetics (formerly Invitae), Labcorp
Classification: Uncertain significance. Last evaluated: 2019-12-11. Review status: criteria provided, single submitter. Criteria: Invitae Variant Classification Sherloc (09022015). Collection method: clinical testing. Allele origin: germline.
Comment: This sequence change affects a donor splice site in intron 1 of the A2ML1 gene. It is expected to disrupt RNA splicing and likely results in an absent or disrupted protein product. In summary, the available evidence is currently insufficient to determine the role of this variant in disease. Therefore, it has been classified as a Variant of Uncertain Significance. The current clinical and genetic evidence is not sufficient to establish whether loss-of-function variants in A2ML1 cause disease. This variant has not been reported in the literature in individuals with A2ML1-related conditions. This variant is present in population databases (rs200764174, ExAC 0.01%).